The following is an entry in ClinVar:

NM_000138.5(FBN1):c.5698T>C (p.Cys1900Arg)

Gene: FBN1 (fibrillin 1; minus strand). Cytogenetic location: 15q21.1.
Variant type: single nucleotide variant.
Coding change: c.5698T>C on transcript NM_000138.5 (MANE Select); coding-DNA position 5698, T replaced by C.
Protein change: p.Cys1900Arg; replaces cysteine 1900 with arginine.
Molecular consequence: missense variant.
Genome position (GRCh38, 1-based): chr15:48,446,796, A>G on the plus strand (T>C on the coding strand, the complement: FBN1 is on the minus strand). VCF-style: chr15-48446796-A-G. GRCh37 (hg19) VCF-style: chr15-48738993-A-G.
Other names: c.5698T>C, p.Cys1900Arg (NM_001406716.1); short protein forms C1900R.
Identifiers: ClinVar variation 2922104 (VCV002922104.3), dbSNP rs1555395840, ClinGen allele CA392341371.

ClinVar aggregate classification (germline): Pathogenic (1 of 4 stars; one submission).

Conditions:
Marfan syndrome (MFS). Also called: MARFAN SYNDROME, TYPE I; Marfan syndrome type 1; Marfan's syndrome; Marfan syndrome, classic; FBN1-Related Marfan Syndrome. Identifiers: Orphanet 284963, Orphanet 558, MedGen C0024796, MONDO:0007947, OMIM 154700.
Familial thoracic aortic aneurysm and aortic dissection (TAAD). Also called: Thoracic aortic aneurysms and dissections. Identifiers: Orphanet 91387, MedGen C4707243, MONDO:0019625.

Submission:

Labcorp Genetics (formerly Invitae), Labcorp
Classification: Pathogenic for Marfan syndrome; Familial thoracic aortic aneurysm and aortic dissection. Last evaluated: 2024-01-10. Review status: criteria provided, single submitter. Criteria: Invitae Variant Classification Sherloc (09022015). Collection method: clinical testing. Allele origin: germline.
Comment: This sequence change replaces cysteine, which is neutral and slightly polar, with arginine, which is basic and polar, at codon 1900 of the FBN1 protein (p.Cys1900Arg). This variant is not present in population databases (gnomAD no frequency). This missense change has been observed in individual(s) with Marfan syndrome (Invitae). Advanced modeling of protein sequence and biophysical properties (such as structural, functional, and spatial information, amino acid conservation, physicochemical variation, residue mobility, and thermodynamic stability) performed at Invitae indicates that this missense variant is expected to disrupt FBN1 protein function with a positive predictive value of 95%. This variant affects a cysteine residue in the EGF-like, TGFBP or hybrid motif domains of FBN1. Cysteine residues are believed to be involved in intramolecular disulfide bridges and have been shown to be important for FBN1 protein structure (PMID: 16905551, 19349279). In addition, missense substitutions affecting cysteine residues within these domains are significantly overrepresented among patients with Marfan syndrome (PMID: 16571647, 17701892). This variant disrupts the p.Cys1900 amino acid residue in FBN1. Other variant(s) that disrupt this residue have been observed in individuals with FBN1-related conditions (PMID: 19293843, 19839986, 22772377), which suggests that this may be a clinically significant amino acid residue. For these reasons, this variant has been classified as Pathogenic.

Literature cited by the submitters: PubMed 16905551; PubMed 19349279; PubMed 16571647; PubMed 17701892; PubMed 19293843; PubMed 19839986; PubMed 22772377.